The following is an entry in ClinVar:

ClinVar aggregate classification (germline): Uncertain significance (1 of 4 stars; one submission).

Conditions:
SLC26A4-related disorder. Also called: SLC26A4-related disorders; SLC26A4-related condition.

gnomAD v4.1: 28 of 1,613,890 alleles (0.0017%); highest among the groups gnomAD compares: African/African-American, 0.017%; no homozygotes.

Submission:

PreventionGenetics, part of Exact Sciences
Classification: Uncertain significance for SLC26A4-related condition. Last evaluated: 2025-12-20. Review status: criteria provided, single submitter. Criteria: ACMG Guidelines, 2015. Collection method: clinical testing. Allele origin: germline.
Comment: The SLC26A4 c.1035G>C variant is predicted to result in the amino acid substitution p.Leu345Phe. To our knowledge, this variant has not been reported in the literature. This variant is reported in 0.020% of alleles in individuals of African descent in gnomAD. At this time, the clinical significance of this variant is uncertain due to the absence of conclusive functional and genetic evidence.

NM_000441.2(SLC26A4):c.1035G>C (p.Leu345Phe)

Gene: SLC26A4 (solute carrier family 26 member 4; plus strand). Cytogenetic location: 7q22.3.
Variant type: single nucleotide variant.
Coding change: c.1035G>C on transcript NM_000441.2 (MANE Select); coding-DNA position 1035, G replaced by C.
Protein change: p.Leu345Phe; replaces leucine 345 with phenylalanine.
Molecular consequence: missense variant.
Genome position (GRCh38, 1-based): chr7:107,689,086, G>C. VCF-style: chr7-107689086-G-C. GRCh37 (hg19) VCF-style: chr7-107329531-G-C.
Other names: short protein forms L345F.
Identifiers: ClinVar variation 4980311 (VCV004980311.1).